The following is an entry in ClinVar:

NM_182961.4(SYNE1):c.10727G>A (p.Arg3576Gln)

Gene: SYNE1 (spectrin repeat containing nuclear envelope protein 1; minus strand). Cytogenetic location: 6q25.2.
Variant type: single nucleotide variant.
Coding change: c.10727G>A on transcript NM_182961.4 (MANE Select); coding-DNA position 10727, G replaced by A.
Protein change: p.Arg3576Gln; replaces arginine 3576 with glutamine.
Molecular consequence: missense variant.
Genome position (GRCh38, 1-based): chr6:152,354,858, C>T on the plus strand (G>A on the coding strand, the complement: SYNE1 is on the minus strand). VCF-style: chr6-152354858-C-T. GRCh37 (hg19) VCF-style: chr6-152675993-C-T.
Other names: c.10748G>A, p.Arg3583Gln (NM_033071.5); short protein forms R3576Q, R3583Q.
Identifiers: ClinVar variation 402199 (VCV000402199.5), dbSNP rs1060499769, ClinGen allele CA16609512.

ClinVar aggregate classification (germline): Conflicting classifications of pathogenicity. Review status: criteria provided, conflicting classifications (1 of 4 stars). 3 submissions from 2 submitters: Likely pathogenic (1); Uncertain significance (2). Last evaluated 2017-04-28.

Conditions:
Abnormal brain morphology. Also called: Abnormality of brain morphology. Identifiers: MedGen C4021085, HP:0012443.
Autosomal recessive ataxia, Beauce type. Also called: SYNE1 Deficiency; Spinocerebellar ataxia, autosomal recessive 8; SYNE1-Related Autosomal Recessive Cerebellar Ataxia; ATAXIA, RECESSIVE, OF BEAUCE. Identifiers: Orphanet 88644, MedGen C1853116, MONDO:0012549, OMIM 610743.
Emery-Dreifuss muscular dystrophy 4, autosomal dominant (EDMD4). Also called: EMERY-DREIFUSS MUSCULAR DYSTROPHY 4 WITH VARIABLE FEATURES. Identifiers: Orphanet 261, MedGen C2751807, MONDO:0013071, OMIM 612998.

Allele frequency attached by ClinVar (database versions not stated): gnomAD exomes 0.00001; TOPMed 0.00001.
gnomAD v4.1: 11 of 1,614,120 alleles (0.00068%); highest among the groups gnomAD compares: South Asian, 0.0033%; no homozygotes.

Submissions (3):

Illumina Laboratory Services, Illumina
Classification: Uncertain significance for Autosomal recessive ataxia, Beauce type. Last evaluated: 2017-04-28. Review status: criteria provided, single submitter. Criteria: ICSL Variant Classification Criteria 13 December 2019. Collection method: clinical testing. Allele origin: germline.
Comment: This variant was observed as part of a predisposition screen in an ostensibly healthy population. A literature search was performed for the gene, cDNA change, and amino acid change (where applicable). Publications were found based on this search. However, the evidence from the literature, in combination with allele frequency data from public databases where available, was not sufficient to rule this variant in or out of causing disease. Therefore, this variant is classified as a variant of unknown significance.

Illumina Laboratory Services, Illumina
Classification: Uncertain significance for Emery-Dreifuss muscular dystrophy 4, autosomal dominant. Last evaluated: 2017-04-28. Review status: criteria provided, single submitter. Criteria: ICSL Variant Classification Criteria 13 December 2019. Collection method: clinical testing. Allele origin: germline.
Comment: the same text as in the submission from Illumina Laboratory Services, Illumina above.

Lupski Lab, Baylor-Hopkins CMG, Baylor College of Medicine
Classification: Likely pathogenic for Abnormal brain morphology. Review status: criteria provided, single submitter. Criteria: Karaca et al. (Neuron 2015). Collection method: research. Allele origin: inherited. Inheritance: Autosomal recessive inheritance. Affected: yes.

Literature cited by the submitters: PubMed 26539891 (cited by Illumina Laboratory Services, Illumina).